The following is an entry in ClinVar:

ClinVar aggregate classification (germline): Likely pathogenic. Review status: reviewed by expert panel (3 of 4 stars). 4 submissions from 4 submitters: Likely pathogenic (1). 3 of the submissions do not count toward it. Last evaluated 2023-10-18.

Conditions:
Nonsyndromic genetic hearing loss. Also called: Non-syndromic genetic deafness; Nonsyndromic hearing loss and deafness; Nonsyndromic genetic deafness. Identifiers: Orphanet 87884, MedGen C5680182, MONDO:0019497.

Allele frequency attached by ClinVar (database versions not stated): gnomAD exomes below 0.00001; TOPMed below 0.00001.
gnomAD v4.1: 1 of 1,613,788 alleles (0.000062%); no homozygotes.

Submissions (4):

ClinGen Hearing Loss Variant Curation Expert Panel
Classification: Likely pathogenic for Nonsyndromic genetic hearing loss. Last evaluated: 2023-10-18. Review status: reviewed by expert panel. Criteria: Clingen Hl Acmg Specifications Cdh23 Coch Gjb2 Kcnq4 Myo6 Myo7a Slc26a4 Tecta Ush2a V2. Collection method: curation. Allele origin: germline. Inheritance: Autosomal dominant inheritance.
Comment: The c.825G>C variant in KCNQ4 is a missense variant predicted to cause substitution of tryptophan by cysteine at amino acid 275 (p.Trp275Cys). This variant is absent from gnomAD v2.1.1 (PM2_Supporting). The computational predictor REVEL gives a score of 0.928, which is above the threshold of 0.7, evidence that correlates with impact to KCNQ4 function (PP3). This variant has been reported in one individual with hearing loss and segregated in an affected first degree relative (SCV000712456.1). This variant is located within the pore-forming intramembrane region (amino acids 271-292) where many variants that cause autosomal dominant hearing loss are located and is defined as a critical functional domain by the ClinGen Hearing Loss VCEP (PM1; PMID: 23717403). A different missense variant at the same codon (p.Trp275Arg) has been classified as Pathogenic by the ClinGen Hearing Loss VCEP (PM5; ClinVar Variation ID 204597, PMID: 25116015). In summary, this variant is classified as Likely Pathogenic for autosomal dominant sensorineural hearing loss based on the ACMG/AMP criteria applied, as specified by the ClinGen Hearing Loss VCEP: PM2_Supporting, PP3, PM1, PM5. (VCEP specifications version 2; 10.18.2023).

GeneDx
Classification: Likely pathogenic. Last evaluated: 2026-09-04. Review status: criteria provided, single submitter. Criteria: GeneDx Variant Classification Process June 2021. Collection method: clinical testing. Allele origin: germline. Not counted in ClinVar's aggregate classification.
Comment: Not observed at significant frequency in large population cohorts (gnomAD); In silico analysis supports that this missense variant has a deleterious effect on protein structure/function; This variant is associated with the following publications: (PMID: 32746448, 34599366, 25116015, 30311386, 23717403, 41368761)

Labcorp Genetics (formerly Invitae), Labcorp
Classification: Likely pathogenic. Last evaluated: 2026-01-22. Review status: criteria provided, single submitter. Criteria: Invitae Variant Classification Sherloc (09022015). Collection method: clinical testing. Allele origin: germline. Not counted in ClinVar's aggregate classification.
Comment: This sequence change replaces tryptophan, which is neutral and slightly polar, with cysteine, which is neutral and slightly polar, at codon 275 of the KCNQ4 protein (p.Trp275Cys). This variant is not present in population databases (gnomAD no frequency). This missense change has been observed in individual(s) with autosomal dominant deafness (PMID: 34599366; internal data). ClinVar contains an entry for this variant (Variation ID: 505302). Invitae Evidence Modeling of protein sequence and biophysical properties (such as structural, functional, and spatial information, amino acid conservation, physicochemical variation, residue mobility, and thermodynamic stability) indicates that this missense variant is expected to disrupt KCNQ4 protein function with a positive predictive value of 95%. This variant disrupts the p.Trp275 amino acid residue in KCNQ4. Other variant(s) that disrupt this residue have been determined to be pathogenic (PMID: 25116015, 31995783). This suggests that this residue is clinically significant, and that variants that disrupt this residue are likely to be disease-causing. In summary, the currently available evidence indicates that the variant is pathogenic, but additional data are needed to prove that conclusively. Therefore, this variant has been classified as Likely Pathogenic.

Laboratory for Molecular Medicine, Mass General Brigham Personalized Medicine
Classification: Uncertain significance. Last evaluated: 2016-08-31. Review status: criteria provided, single submitter. Criteria: LMM Criteria. Collection method: clinical testing. Allele origin: germline. Observed: 2 variant alleles. Not counted in ClinVar's aggregate classification.
Comment: Variant classified as Uncertain Significance - Favor Pathogenic. The p.Trp275Cys variant in KCNQ4 has not been previously reported in individuals with hearing l oss and was absent from large population studies. The tryptophan (Trp) at positi on 275 is highly conserved in mammals and evolutionarily distant species, and co mputational prediction tools suggest the p.Trp275Cys may impact the protein. In addition, a different missense variant at the same amino acid position (p.Trp275 Arg) has been previously reported in an individual with hearing loss and segrega ted in 11 affected relatives (Wang 2014). These data suggest that a change at th is position may not be tolerated, however additional data is needed to assume pa thogenicity for this missense variant. In summary, while there is some suspicion for a pathogenic role, the clinical significance of the p.Trp275Cys variant is uncertain.

Literature cited by the submitters: PubMed 34599366 (cited by Labcorp Genetics (formerly Invitae), Labcorp); PubMed 25116015 (cited by Labcorp Genetics (formerly Invitae), Labcorp); PubMed 31995783 (cited by Labcorp Genetics (formerly Invitae), Labcorp).

NM_004700.4(KCNQ4):c.825G>C (p.Trp275Cys)

Gene: KCNQ4 (potassium voltage-gated channel subfamily Q member 4; plus strand). Cytogenetic location: 1p34.2.
Variant type: single nucleotide variant.
Coding change: c.825G>C on transcript NM_004700.4 (MANE Select); coding-DNA position 825, G replaced by C.
Protein change: p.Trp275Cys; replaces tryptophan 275 with cysteine.
Molecular consequence: missense variant.
Genome position (GRCh38, 1-based): chr1:40,819,463, G>C. VCF-style: chr1-40819463-G-C. GRCh37 (hg19) VCF-style: chr1-41285135-G-C.
Other names: NM_004700.3(KCNQ4):c.825G>C(p.Trp275Cys); NM_004700.3(KCNQ4):c.825G>C; c.825G>C, p.Trp275Cys (NM_172163.3); short protein forms W275C.
Identifiers: ClinVar variation 505302 (VCV000505302.11), dbSNP rs956666801, ClinGen allele CA21112664.